The following is an entry in ClinVar:

NM_004341.5(CAD):c.6437G>T (p.Arg2146Leu)

Genes: CAD (carbamoyl-phosphate synthetase 2, aspartate transcarbamylase, and dihydroorotase; plus strand), LOC126806172 (CDK7 strongly-dependent group 2 enhancer GRCh37_chr2:27465505-27466704; plus strand). Cytogenetic location: 2p23.3.
Variant type: single nucleotide variant.
Coding change: c.6437G>T on transcript NM_004341.5 (MANE Select); coding-DNA position 6437, G replaced by T.
Protein change: p.Arg2146Leu; replaces arginine 2146 with leucine.
Molecular consequence: missense variant.
Genome position (GRCh38, 1-based): chr2:27,242,930, G>T. VCF-style: chr2-27242930-G-T. GRCh37 (hg19) VCF-style: chr2-27465798-G-T.
Other names: c.6248G>T, p.Arg2083Leu (NM_001306079.2); short protein forms R2083L, R2146L.
Identifiers: ClinVar variation 1919072 (VCV001919072.3), dbSNP rs377103397, ClinGen allele CA1574211.
Genomic context (GRCh38, chr2:27,242,930, plus strand): 5'-AGGAGGAATTCGAGAGCATTGAGGAGGCGCTGCCTGACACTGATGTGCTCTACATGACTC[G>T]AATCCAGAAGGAACGATTTGGCTCTACCCAGGAGTACGAAGCTGTGAGTGCTGGGCTTGA-3'
Protein context (NP_004332.2, residues 2136-2156): LPDTDVLYMT[Arg2146Leu]IQKERFGSTQ

ClinVar aggregate classification (germline): Uncertain significance (1 of 4 stars; one submission).

Allele frequency attached by ClinVar (database versions not stated): ESP Exome Variant Server 0.00008.
gnomAD v4.1: 50 of 1,609,536 alleles (0.0031%); highest among the groups gnomAD compares: Non-Finnish European, 0.0041%; no homozygotes.

Submission:

Labcorp Genetics (formerly Invitae), Labcorp
Classification: Uncertain significance. Last evaluated: 2023-12-07. Review status: criteria provided, single submitter. Criteria: Invitae Variant Classification Sherloc (09022015). Collection method: clinical testing. Allele origin: germline.
Comment: This sequence change replaces arginine, which is basic and polar, with leucine, which is neutral and non-polar, at codon 2146 of the CAD protein (p.Arg2146Leu). This variant is present in population databases (rs377103397, gnomAD 0.002%). This variant has not been reported in the literature in individuals affected with CAD-related conditions. ClinVar contains an entry for this variant (Variation ID: 1919072). An algorithm developed to predict the effect of missense changes on protein structure and function (PolyPhen-2) suggests that this variant is likely to be disruptive. In summary, the available evidence is currently insufficient to determine the role of this variant in disease. Therefore, it has been classified as a Variant of Uncertain Significance.